The following is an entry in ClinVar:

NM_004606.5(TAF1):c.1837C>T (p.Leu613Phe)

Gene: TAF1 (TATA-box binding protein associated factor 1; plus strand). Cytogenetic location: Xq13.1.
Variant type: single nucleotide variant.
Coding change: c.1837C>T on transcript NM_004606.5 (MANE Select); coding-DNA position 1837, C replaced by T.
Protein change: p.Leu613Phe; replaces leucine 613 with phenylalanine.
Molecular consequence: missense variant. On other transcripts: non-coding transcript variant (9).
Genome position (GRCh38, 1-based): chrX:71,383,054, C>T. VCF-style: chrX-71383054-C-T. GRCh37 (hg19) VCF-style: chrX-70602904-C-T.
Other names: c.1774C>T, p.Leu592Phe (NM_138923.4); c.1837C>T, p.Leu613Phe (NM_001286074.2); short protein forms L592F, L613F.
Identifiers: ClinVar variation 3774915 (VCV003774915.1).

ClinVar aggregate classification (germline): Uncertain significance (1 of 4 stars; one submission).

Submission:

GeneDx
Classification: Uncertain significance. Last evaluated: 2024-09-30. Review status: criteria provided, single submitter. Criteria: GeneDx Variant Classification Process June 2021. Collection method: clinical testing. Allele origin: germline. Affected: yes.
Comment: Not observed at significant frequency in large population cohorts (gnomAD); In silico analysis supports that this missense variant has a deleterious effect on protein structure/function; Has not been previously published as pathogenic or benign to our knowledge